The following is an entry in ClinVar:

NM_001267550.2(TTN):c.73200T>C (p.Tyr24400=)

Genes: TTN-AS1 (TTN antisense RNA 1; plus strand), TTN (titin; minus strand). Cytogenetic location: 2q31.2.
Variant type: single nucleotide variant.
Coding change: c.73200T>C on transcript NM_001267550.2 (MANE Select); coding-DNA position 73200, T replaced by C.
Protein change: p.Tyr24400=; no amino-acid change (tyrosine 24400 retained).
Molecular consequence: synonymous variant.
Genome position (GRCh38, 1-based): chr2:178,572,932, A>G on the plus strand (T>C on the coding strand, the complement: TTN is on the minus strand). VCF-style: chr2-178572932-A-G. GRCh37 (hg19) VCF-style: chr2-179437659-A-G.
Other names: c.68277T>C, p.Tyr22759= (NM_001256850.1); c.46005T>C, p.Tyr15335= (NM_003319.4); c.65496T>C, p.Tyr21832= (NM_133378.4); c.46380T>C, p.Tyr15460= (NM_133432.3); c.46581T>C, p.Tyr15527= (NM_133437.4).
Identifiers: ClinVar variation 507389 (VCV000507389.3), dbSNP rs1250752630, ClinGen allele CA430256273.

ClinVar aggregate classification (germline): Likely benign. Review status: criteria provided, multiple submitters, no conflicts (2 of 4 stars). 2 submissions from 2 submitters: Likely benign (2). Last evaluated 2024-03-25.

Conditions:
Dilated cardiomyopathy 1G (CMD1G). Identifiers: Orphanet 154, MedGen C1858763, MONDO:0011400, OMIM 604145.
Autosomal recessive limb-girdle muscular dystrophy type 2J (LGMDR10). Also called: Limb-girdle muscular dystrophy, type 2J; MUSCULAR DYSTROPHY, LIMB-GIRDLE, AUTOSOMAL RECESSIVE 10. Identifiers: Orphanet 140922, MedGen C1837342, MONDO:0012127, OMIM 608807.

Allele frequency attached by ClinVar (database versions not stated): gnomAD exomes below 0.00001.
gnomAD v4.1: 2 of 1,613,344 alleles (0.00012%); highest among the groups gnomAD compares: Admixed American, 0.0033%; no homozygotes.

Submissions (2):

Labcorp Genetics (formerly Invitae), Labcorp
Classification: Likely benign for Dilated cardiomyopathy 1G; Autosomal recessive limb-girdle muscular dystrophy type 2J. Last evaluated: 2024-03-25. Review status: criteria provided, single submitter. Criteria: Invitae Variant Classification Sherloc (09022015). Collection method: clinical testing. Allele origin: germline.

GeneDx
Classification: Likely benign. Last evaluated: 2017-02-14. Review status: criteria provided, single submitter. Criteria: GeneDx Variant Classification (06012015). Collection method: clinical testing. Allele origin: germline. Affected: yes.
Comment: This variant is considered likely benign or benign based on one or more of the following criteria: it is a conservative change, it occurs at a poorly conserved position in the protein, it is predicted to be benign by multiple in silico algorithms, and/or has population frequency not consistent with disease.